The following is an entry in ClinVar:

NM_001927.4(DES):c.948_952del (p.Lys318fs)

Gene: DES (desmin; plus strand). Cytogenetic location: 2q35.
Variant type: Deletion.
Coding change: c.948_952del on transcript NM_001927.4 (MANE Select); coding-DNA positions 948 to 952, 5 bases deleted (GGCCA; older notation c.948_952delGGCCA).
Protein change: p.Lys318fs; shifts the reading frame from lysine 318.
Molecular consequence: frameshift variant. On other transcripts: intron variant (1).
Genome position (GRCh38, 1-based): chr2:219,420,878-219,420,882, GGCCA deleted; deleting any 5 consecutive bases within chr2:219,420,874-219,420,882 gives the same sequence; the c. name uses the placement nearest the transcript's 3' end. VCF-style (leftmost placement, unchanged base first): chr2-219420873-CGCCAG-C. GRCh37 (hg19) VCF-style: chr2-220285595-CGCCAG-C.
Other names: c.948_952del5 (NM_001927.3); c.945_949del, p.Lys317fs (NM_001382708.1); c.948_952del, p.Lys318fs (NM_001382710.1, NM_001382711.1, NM_001382712.1); c.678_682del, p.Lys228fs (NM_001382713.1); c.735+532_735+536del (NM_001382709.1); short protein forms K228fs, K317fs, K318fs.
Identifiers: ClinVar variation 1329235 (VCV001329235.4), dbSNP rs2125168194, ClinGen allele CA16616731.

ClinVar aggregate classification (germline): Likely pathogenic. Review status: criteria provided, multiple submitters, no conflicts (2 of 4 stars). 2 submissions from 2 submitters: Likely pathogenic (2). Last evaluated 2025-01-16.

Conditions:
Cardiomyopathy (CMYO). Also called: Cardiomyopathies. Identifiers: Orphanet 167848, MedGen C0878544, MONDO:0004994, HP:0001638. Inheritance: Various modes of inheritance.
DES-related disorder. Also called: DES-related condition.

Submissions (2):

PreventionGenetics, part of Exact Sciences
Classification: Likely pathogenic for DES-related condition. Last evaluated: 2025-01-16. Review status: criteria provided, single submitter. Criteria: ACMG Guidelines, 2015. Collection method: clinical testing. Allele origin: germline.
Comment: The DES c.948_952del5 variant is predicted to result in a frameshift and premature protein termination (p.Lys318Glyfs*17). To our knowledge, this variant has not been reported in the literature or in a large population database, indicating this variant is rare. Frameshift variants in DES are expected to be pathogenic. This variant is interpreted as likely pathogenic.

CHEO Genetics Diagnostic Laboratory, Children's Hospital of Eastern Ontario
Classification: Likely pathogenic for Cardiomyopathy. Last evaluated: 2020-06-09. Review status: criteria provided, single submitter. Criteria: ACMG Guidelines, 2015. Collection method: clinical testing. Allele origin: germline.